The following is an entry in ClinVar:

NM_002519.3(NPAT):c.48G>T (p.Gln16His)

Gene: NPAT (nuclear protein, coactivator of histone transcription; minus strand). Cytogenetic location: 11q22.3.
Variant type: single nucleotide variant.
Coding change: c.48G>T on transcript NM_002519.3 (MANE Select); coding-DNA position 48, G replaced by T.
Protein change: p.Gln16His; replaces glutamine 16 with histidine.
Molecular consequence: missense variant.
Genome position (GRCh38, 1-based): chr11:108,197,410, C>A on the plus strand (G>T on the coding strand, the complement: NPAT is on the minus strand). VCF-style: chr11-108197410-C-A. GRCh37 (hg19) VCF-style: chr11-108068137-C-A.
Other names: c.48G>T, p.Gln16His (NM_001321307.1); short protein forms Q16H.
Identifiers: ClinVar variation 1743975 (VCV001743975.2), dbSNP rs760825021, ClinGen allele CA6264432.

ClinVar aggregate classification (germline): Uncertain significance (1 of 4 stars; one submission).

Allele frequency attached by ClinVar (database versions not stated): TOPMed below 0.00001; gnomAD exomes 0.00001; ExAC 0.00002.
gnomAD v4.1: 7 of 1,596,122 alleles (0.00044%); highest among the groups gnomAD compares: Admixed American, 0.012%; no homozygotes.

Submission:

Ambry Genetics
Classification: Uncertain significance. Last evaluated: 2023-10-08. Review status: criteria provided, single submitter. Criteria: Ambry Variant Classification Scheme 2023. Collection method: clinical testing. Allele origin: germline.
Comment: The p.Q16H variant (also known as c.48G>T), located in coding exon 2 of the NPAT gene, results from a G to T substitution at nucleotide position 48. The glutamine at codon 16 is replaced by histidine, an amino acid with highly similar properties. This amino acid position is conserved. In addition, this alteration is predicted to be tolerated by in silico analysis. Since supporting evidence is limited at this time, the clinical significance of this alteration remains unclear.